The following is an entry in ClinVar:

ClinVar aggregate classification (germline): Uncertain significance (1 of 4 stars; one submission).

Submission:

Women's Health and Genetics/Laboratory Corporation of America, LabCorp
Classification: Uncertain significance. Last evaluated: 2026-06-09. Review status: criteria provided, single submitter. Criteria: LabCorp Variant Classification Summary - May 2015. Collection method: clinical testing. Allele origin: germline.
Comment: Variant summary: RBM20 c.3598delG (p.Glu1200ArgfsX48) causes a frameshift which results in an extension of the protein. The frequency data for this variant in gnomAD is considered unreliable, as metrics indicate poor data quality at this position. To our knowledge, no occurrence of c.3598delG in individuals affected with RBM20-related conditions and no experimental evidence demonstrating its impact on protein function have been reported. No submitters have cited clinical-significance assessments for this variant to ClinVar. Based on the evidence outlined above, the variant was classified as uncertain significance.

NM_001134363.3(RBM20):c.3598del (p.Glu1200fs)

Gene: RBM20 (RNA binding motif protein 20; plus strand). Cytogenetic location: 10q25.2.
Variant type: Deletion.
Coding change: c.3598del on transcript NM_001134363.3 (MANE Select); coding-DNA position 3598, one base deleted (G; older notation c.3598delG).
Protein change: p.Glu1200fs; shifts the reading frame from glutamic acid 1200.
Molecular consequence: frameshift variant.
Genome position (GRCh38, 1-based): chr10:110,835,892, G deleted; the last of 2 consecutive G bases (chr10:110,835,891-110,835,892); deleting either gives the same sequence. VCF-style (leftmost placement, unchanged base first): chr10-110835890-AG-A. GRCh37 (hg19) VCF-style: chr10-112595648-AG-A.
Other names: c.3598delG (NM_001134363.3); short protein forms E1200fs.
Identifiers: ClinVar variation 4887412 (VCV004887412.1).